The following is an entry in ClinVar:

ClinVar aggregate classification (germline): Uncertain significance (1 of 4 stars; one submission).

Conditions:
Renal hypomagnesemia 6. Identifiers: Orphanet 34527, MedGen C3151295, MONDO:0013480, OMIM 613882.

Allele frequency attached by ClinVar (database versions not stated): gnomAD exomes below 0.00001; ExAC 0.00001.
gnomAD v4.1: 2 of 1,613,180 alleles (0.00012%); highest among the groups gnomAD compares: Non-Finnish European, 0.00017%; no homozygotes.

Submission:

Centre for Mendelian Genomics, University Medical Centre Ljubljana
Classification: Uncertain significance for Renal hypomagnesemia 6. Last evaluated: 2020-02-18. Review status: criteria provided, single submitter. Criteria: ACMG Guidelines, 2015. Collection method: clinical testing. Allele origin: unknown. Affected: yes.
Comment: This variant was classified as: Uncertain significance. The available evidence on this variant's pathogenicity is insufficient or conflicting. The following ACMG criteria were applied in classifying this variant: PP3.

NM_017649.5(CNNM2):c.2125G>T (p.Ala709Ser)

Gene: CNNM2 (cyclin and CBS domain divalent metal cation transport mediator 2; plus strand). Cytogenetic location: 10q24.32.
Variant type: single nucleotide variant.
Coding change: c.2125G>T on transcript NM_017649.5 (MANE Select); coding-DNA position 2125, G replaced by T.
Protein change: p.Ala709Ser; replaces alanine 709 with serine.
Molecular consequence: missense variant.
Genome position (GRCh38, 1-based): chr10:103,068,680, G>T. VCF-style: chr10-103068680-G-T. GRCh37 (hg19) VCF-style: chr10-104828437-G-T.
Other names: c.2125G>T, p.Ala709Ser (NM_199076.3); short protein forms A709S.
Identifiers: ClinVar variation 930941 (VCV000930941.3), dbSNP rs748696153, ClinGen allele CA5670534.
Genomic context (GRCh38, chr10:103,068,680, plus strand): 5'-TCTCCACAGGGGAAAGTGGAAGTTGAAGCTGGGAAAGAAGGTATGAAGTTTGAAGCGAGC[G>T]CCTTCTCATACTATGGCGTGATGGCCCTGACAGCCTCTCCAGGTATGTTTGGTTCCCAGC-3'
Protein context (NP_060119.3, residues 699-719): GKEGMKFEAS[Ala709Ser]FSYYGVMALT